The following is an entry in ClinVar:

NM_182961.4(SYNE1):c.23020-124C>T

Gene: SYNE1 (spectrin repeat containing nuclear envelope protein 1; minus strand). Cytogenetic location: 6q25.2.
Variant type: single nucleotide variant.
Coding change: c.23020-124C>T on transcript NM_182961.4 (MANE Select); 124 bases into the intron before coding-DNA position 23020, C replaced by T.
Molecular consequence: intron variant.
Genome position (GRCh38, 1-based): chr6:152,202,073, G>A on the plus strand (C>T on the coding strand, the complement: SYNE1 is on the minus strand). VCF-style: chr6-152202073-G-A. GRCh37 (hg19) VCF-style: chr6-152523208-G-A.
Other names: c.22807-124C>T (NM_033071.5).
Identifiers: ClinVar variation 676353 (VCV000676353.1), dbSNP rs116710739, ClinGen allele CA150168572.

ClinVar aggregate classification (germline): Benign (1 of 4 stars; one submission).

Allele frequency attached by ClinVar (database versions not stated): gnomAD exomes 0.00261; gnomAD 0.02483 and 0.02663; 1000 Genomes Project 0.02796; TOPMed 0.02800; 1000 Genomes Project 30x 0.03061.
gnomAD v4.1: 6,895 of 1,299,146 alleles (0.53%); highest among the groups gnomAD compares: African/African-American, 8.7%; 249 homozygotes.

Submission:

GeneDx
Classification: Benign. Last evaluated: 2018-06-14. Review status: criteria provided, single submitter. Criteria: GeneDx Variant Classification (06012015). Collection method: clinical testing. Allele origin: germline. Affected: yes.
Comment: This variant is considered likely benign or benign based on one or more of the following criteria: it is a conservative change, it occurs at a poorly conserved position in the protein, it is predicted to be benign by multiple in silico algorithms, and/or has population frequency not consistent with disease.